The following is an entry in ClinVar:

ClinVar aggregate classification (germline): Uncertain significance (1 of 4 stars; one submission).

Submission:

CeGaT Center for Human Genetics Tuebingen
Classification: Uncertain significance. Last evaluated: 2026-07-01. Review status: criteria provided, single submitter. Criteria: CeGaT Center For Human Genetics Tuebingen Variant Classification Criteria Version 2. Collection method: clinical testing. Allele origin: germline. Affected: yes. Observed: 1 variant allele.
Comment: SLC2A1: PM2:Supporting, BP4

NM_006516.4(SLC2A1):c.1476G>T (p.Val492=)

Gene: SLC2A1 (solute carrier family 2 member 1; minus strand). Cytogenetic location: 1p34.2.
Variant type: single nucleotide variant.
Coding change: c.1476G>T on transcript NM_006516.4 (MANE Select); coding-DNA position 1476, G replaced by T.
Protein change: p.Val492=; no amino-acid change (valine 492 retained).
Molecular consequence: synonymous variant.
Genome position (GRCh38, 1-based): chr1:42,927,044, C>A on the plus strand (G>T on the coding strand, the complement: SLC2A1 is on the minus strand). VCF-style: chr1-42927044-C-A. GRCh37 (hg19) VCF-style: chr1-43392715-C-A.
Identifiers: ClinVar variation 5040293 (VCV005040293.1).